The following is an entry in ClinVar:

ClinVar aggregate classification (germline): Likely benign (1 of 4 stars; one submission).

Submission:

CeGaT Center for Human Genetics Tuebingen
Classification: Likely benign. Last evaluated: 2026-08-01. Review status: criteria provided, single submitter. Criteria: CeGaT Center For Human Genetics Tuebingen Variant Classification Criteria Version 2. Collection method: clinical testing. Allele origin: germline. Affected: yes. Observed: 1 variant allele.
Comment: NLGN2: BP4, BP7

NM_020795.4(NLGN2):c.1548C>T (p.Thr516=)

Gene: NLGN2 (neuroligin 2; plus strand). Cytogenetic location: 17p13.1.
Variant type: single nucleotide variant.
Coding change: c.1548C>T on transcript NM_020795.4 (MANE Select); coding-DNA position 1548, C replaced by T.
Protein change: p.Thr516=; no amino-acid change (threonine 516 retained).
Molecular consequence: synonymous variant.
Genome position (GRCh38, 1-based): chr17:7,416,021, C>T. VCF-style: chr17-7416021-C-T. GRCh37 (hg19) VCF-style: chr17-7319340-C-T.
Identifiers: ClinVar variation 5038690 (VCV005038690.1).